The following is an entry in ClinVar:

NM_005732.4(RAD50):c.648del (p.Gln215_Tyr216insTer)

Gene: RAD50 (RAD50 double strand break repair protein; plus strand). Cytogenetic location: 5q31.1.
Variant type: Deletion.
Coding change: c.648del on transcript NM_005732.4 (MANE Select); coding-DNA position 648, one base deleted (T; older notation c.648delT).
Protein change: p.Gln215_Tyr216insTer.
Molecular consequence: nonsense.
Genome position (GRCh38, 1-based): chr5:132,579,958, T deleted. VCF-style (leftmost placement, unchanged base first): chr5-132579957-AT-A. GRCh37 (hg19) VCF-style: chr5-131915649-AT-A.
Identifiers: ClinVar variation 484647 (VCV000484647.5), dbSNP rs1554097816, ClinGen allele CA658657499.

ClinVar aggregate classification (germline): Pathogenic (1 of 4 stars; one submission).

Conditions:
Hereditary cancer-predisposing syndrome. Also called: Neoplastic Syndromes, Hereditary; Tumor predisposition; Hereditary Cancer Syndrome; Hereditary neoplastic syndrome. Identifiers: Orphanet 140162, MedGen C0027672, MeSH D009386, MONDO:0015356.

Allele frequency attached by ClinVar (database versions not stated): TOPMed below 0.00001.

Submission:

Ambry Genetics
Classification: Pathogenic for Hereditary cancer-predisposing syndrome. Last evaluated: 2016-05-23. Review status: criteria provided, single submitter. Criteria: Ambry Variant Classification Scheme 2023. Collection method: clinical testing. Allele origin: germline.
Comment: The c.648delT pathogenic mutation, located in coding exon 5 of the RAD50 gene, results from a deletion of one nucleotide at nucleotide position 648, causing a translational frameshift with a predicted alternate stop codon. Since frameshifts are typically deleterious in nature, this alteration is interpreted as a disease-causing mutation (ACMG Recommendations for Standards for Interpretation and Reporting of Sequence Variations. Revision 2007. Genet Med. 2008;10:294).